The following is an entry in ClinVar:

NM_001040108.2(MLH3):c.249C>T (p.Asp83=)

Gene: MLH3 (mutL homolog 3; minus strand). Cytogenetic location: 14q24.3.
Variant type: single nucleotide variant.
Coding change: c.249C>T on transcript NM_001040108.2 (MANE Select); coding-DNA position 249, C replaced by T.
Protein change: p.Asp83=; no amino-acid change (aspartic acid 83 retained).
Molecular consequence: synonymous variant.
Genome position (GRCh38, 1-based): chr14:75,049,407, G>A on the plus strand (C>T on the coding strand, the complement: MLH3 is on the minus strand). VCF-style: chr14-75049407-G-A. GRCh37 (hg19) VCF-style: chr14-75516110-G-A.
Other names: c.249C>T, p.Asp83= (NM_014381.3).
Identifiers: ClinVar variation 4108618 (VCV004108618.2).

ClinVar aggregate classification (germline): Benign/Likely benign. Review status: criteria provided, multiple submitters, no conflicts (2 of 4 stars). 2 submissions from 2 submitters: Benign (1); Likely benign (1). Last evaluated 2026-09-18.

Conditions:
Colorectal cancer, hereditary nonpolyposis, type 7. Identifiers: Orphanet 144, MedGen C1858380, MONDO:0013725, OMIM 614385.

Submissions (2):

Myriad Genetics, Inc.
Classification: Benign for Colorectal cancer, hereditary nonpolyposis, type 7. Last evaluated: 2026-09-18. Review status: criteria provided, single submitter. Criteria: Myriad Autosomal Dominant, Autosomal Recessive and X-Linked Classification Criteria (2023). Collection method: clinical testing. Allele origin: unknown.
Comment: This variant is considered benign. This variant is a silent/synonymous amino acid change and it is not expected to impact splicing.

Ambry Genetics
Classification: Likely benign. Last evaluated: 2025-06-20. Review status: criteria provided, single submitter. Criteria: Ambry Variant Classification Scheme 2023. Collection method: clinical testing. Allele origin: germline.